The following is an entry in ClinVar:

ClinVar aggregate classification (germline): Uncertain significance. Review status: criteria provided, multiple submitters, no conflicts (2 of 4 stars). 3 submissions from 3 submitters: Uncertain significance (3). Last evaluated 2024-12-17.

Submissions (3):

GeneDx
Classification: Uncertain significance. Last evaluated: 2024-12-17. Review status: criteria provided, single submitter. Criteria: GeneDx Variant Classification Process June 2021. Collection method: clinical testing. Allele origin: germline. Affected: yes.
Comment: Frameshift variant predicted to result in abnormal protein length as the last 259 amino acid(s) are replaced with 268 different amino acid(s); Not observed at significant frequency in large population cohorts (gnomAD); Has not been previously published as pathogenic or benign in association with a TUBGCP6-related disorder to our knowledge; This variant is associated with the following publications: (PMID: 31964843)

Blueprint Genetics
Classification: Uncertain significance. Last evaluated: 2022-07-24. Review status: criteria provided, single submitter. Criteria: ACMG Guidelines, 2015. Collection method: clinical testing. Allele origin: germline.

Labcorp Genetics (formerly Invitae), Labcorp
Classification: Uncertain significance. Last evaluated: 2022-05-15. Review status: criteria provided, single submitter. Criteria: Invitae Variant Classification Sherloc (09022015). Collection method: clinical testing. Allele origin: germline.
Comment: This sequence change results in a frameshift in the TUBGCP6 gene (p.Val1561Alafs*269). While this is not anticipated to result in nonsense mediated decay, it is expected to disrupt the last 259 amino acid(s) of the TUBGCP6 protein and extend the protein by 9 additional amino acid residues. In summary, the available evidence is currently insufficient to determine the role of this variant in disease. Therefore, it has been classified as a Variant of Uncertain Significance. Algorithms developed to predict the effect of sequence changes on RNA splicing suggest that this variant may create or strengthen a splice site. Experimental studies and prediction algorithms are not available or were not evaluated, and the functional significance of this variant is currently unknown. This variant has not been reported in the literature in individuals affected with TUBGCP6-related conditions. This variant is present in population databases (no rsID available, gnomAD 0.006%).

NM_020461.4(TUBGCP6):c.4682_4683del (p.Val1561fs)

Gene: TUBGCP6 (tubulin gamma complex component 6; minus strand). Cytogenetic location: 22q13.33.
Variant type: Microsatellite.
Coding change: c.4682_4683del on transcript NM_020461.4 (MANE Select); coding-DNA positions 4682 to 4683, 2 bases deleted (TG; older notation c.4682_4683delTG).
Protein change: p.Val1561fs; shifts the reading frame from valine 1561.
Molecular consequence: frameshift variant.
Genome position (GRCh38, 1-based): chr22:50,218,841-50,218,842, CA deleted on the plus strand (TG on the coding strand, the reverse complement: TUBGCP6 is on the minus strand); deleting any 2 consecutive bases within chr22:50,218,841-50,218,844 gives the same sequence; the c. name uses the placement nearest the transcript's 3' end. VCF-style (leftmost placement, unchanged base first): chr22-50218840-GCA-G. GRCh37 (hg19) VCF-style: chr22-50657269-GCA-G.
Other names: c.4682_4683del (NM_020461.3); short protein forms V1561fs.
Identifiers: ClinVar variation 1970039 (VCV001970039.6), dbSNP rs1194927776, ClinGen allele CA515375584.